The following is an entry in ClinVar:

ClinVar aggregate classification (germline): Pathogenic (1 of 4 stars; one submission).

Conditions:
Mitochondrial hypertrophic cardiomyopathy with lactic acidosis due to MTO1 deficiency. Also called: CARDIOMYOPATHY, INFANTILE HYPERTROPHIC MITOCHONDRIAL, AND LACTIC ACIDOSIS; Combined oxidative phosphorylation deficiency 10. Identifiers: Orphanet 314637, MedGen C4749921, MONDO:0013865, OMIM 614702.

Submission:

Labcorp Genetics (formerly Invitae), Labcorp
Classification: Pathogenic for Mitochondrial hypertrophic cardiomyopathy with lactic acidosis due to MTO1 deficiency. Last evaluated: 2025-02-05. Review status: criteria provided, single submitter. Criteria: Invitae Variant Classification Sherloc (09022015). Collection method: clinical testing. Allele origin: germline.
Comment: This sequence change creates a premature translational stop signal (p.Gln347Argfs*9) in the MTO1 gene. It is expected to result in an absent or disrupted protein product. Loss-of-function variants in MTO1 are known to be pathogenic (PMID: 22608499, 25058219). This variant is present in population databases (rs748364776, gnomAD 0.006%). This variant has not been reported in the literature in individuals affected with MTO1-related conditions. For these reasons, this variant has been classified as Pathogenic.

Literature cited by the submitters: PubMed 22608499; PubMed 25058219.

NM_012123.4(MTO1):c.1040_1041del (p.Gln347fs)

Gene: MTO1 (mitochondrial tRNA translation optimization 1; plus strand). Cytogenetic location: 6q13.
Variant type: Deletion.
Coding change: c.1040_1041del on transcript NM_012123.4 (MANE Select); coding-DNA positions 1040 to 1041, 2 bases deleted (AG; older notation c.1040_1041delAG).
Protein change: p.Gln347fs; shifts the reading frame from glutamine 347.
Molecular consequence: frameshift variant.
Genome position (GRCh38, 1-based): chr6:73,480,037-73,480,038, AG deleted. VCF-style (leftmost placement, unchanged base first): chr6-73480036-CAG-C. GRCh37 (hg19) VCF-style: chr6-74189759-CAG-C.
Other names: c.1040_1041del, p.Gln347fs (NM_001123226.2, NM_133645.3); short protein forms Q347fs.
Identifiers: ClinVar variation 3675344 (VCV003675344.2).